The following is an entry in ClinVar:

ClinVar aggregate classification (germline): Uncertain significance (1 of 4 stars; one submission).

Allele frequency attached by ClinVar (database versions not stated): gnomAD exomes below 0.00001.
gnomAD v4.1: 2 of 1,612,736 alleles (0.00012%); highest among the groups gnomAD compares: Admixed American, 0.0033%; no homozygotes.

Submission:

GeneDx
Classification: Uncertain significance. Last evaluated: 2013-07-03. Review status: criteria provided, single submitter. Criteria: GeneDx Variant Classification (06012015). Collection method: clinical testing. Allele origin: germline. Affected: yes.
Comment: To our knowledge, the D122G missense substitution has neither been published as a mutation, nor reported as a benign polymorphism. D122G represents a non-conservative amino acid substitution, as a large negatively-charged Aspartic Acid residue is replaced with a small, non-polar Glycine residue. This variant was not observed in approximately 6,000 individuals of European and African American ancestry in the NHLBI Exome Sequencing Project, indicating it is not a common benign variant in these populations. However, the position in the MEFV protein where this substitution occurs is only moderately conserved among species and several in silico algorithms conflict regarding the possible pathogenicity of D122G. Therefore, based on the currently available information, it is unclear whether D122G is a disease-causing mutation or a rare benign variant.

NM_000243.3(MEFV):c.365A>G (p.Asp122Gly)

Gene: MEFV (MEFV innate immunity regulator, pyrin; minus strand). Cytogenetic location: 16p13.3.
Variant type: single nucleotide variant.
Coding change: c.365A>G on transcript NM_000243.3 (MANE Select); coding-DNA position 365, A replaced by G.
Protein change: p.Asp122Gly; replaces aspartic acid 122 with glycine.
Molecular consequence: missense variant. On other transcripts: intron variant (1).
Genome position (GRCh38, 1-based): chr16:3,254,703, T>C on the plus strand (A>G on the coding strand, the complement: MEFV is on the minus strand). VCF-style: chr16-3254703-T-C. GRCh37 (hg19) VCF-style: chr16-3304703-T-C.
Other names: c.277+1608A>G (NM_001198536.2); short protein forms D122G.
Identifiers: ClinVar variation 234350 (VCV000234350.2), dbSNP rs876660988, ClinGen allele CA10577527.